The following is an entry in ClinVar:

ClinVar aggregate classification (germline): Uncertain significance. Review status: criteria provided, multiple submitters, no conflicts (2 of 4 stars). 4 submissions from 4 submitters: Uncertain significance (4). Last evaluated 2025-11-26.

Conditions:
CEP290-related disorder. Also called: CEP290-related condition; CEP290-related disorders. Identifiers: MedGen CN239314.
Leber congenital amaurosis 10 (LCA10). Identifiers: Orphanet 65, MedGen C1857821, MONDO:0012723, OMIM 611755.
Meckel syndrome, type 4 (MKS4). Also called: MECKEL-GRUBER SYNDROME, TYPE 4. Identifiers: Orphanet 564, MedGen C1970161, MONDO:0012626, OMIM 611134.
Senior-Loken syndrome 6 (SLSN6). Identifiers: Orphanet 3156, MedGen C1857779, MONDO:0012433, OMIM 610189.
Joubert syndrome 5 (JBTS5). Identifiers: Orphanet 2318, MedGen C1857780, MONDO:0012432, OMIM 610188.
Bardet-Biedl syndrome 14 (BBS14). Identifiers: Orphanet 110, MedGen C2673874, MONDO:0014442, OMIM 615991.

gnomAD v4.1: 4 of 1,519,576 alleles (0.00026%); highest among the groups gnomAD compares: Admixed American, 0.0074%; no homozygotes.

Submissions (4):

PreventionGenetics, part of Exact Sciences
Classification: Uncertain significance for CEP290-related condition. Last evaluated: 2025-11-26. Review status: criteria provided, single submitter. Criteria: ACMG Guidelines, 2015. Collection method: clinical testing. Allele origin: germline.
Comment: The CEP290 c.6518T>G variant is predicted to result in the amino acid substitution p.Leu2173Trp. To our knowledge, this variant has not been reported in the literature. This variant is reported in 0.013% of alleles in individuals of Latino descent in gnomAD. At this time, the clinical significance of this variant is uncertain due to the absence of conclusive functional and genetic evidence.

GeneDx
Classification: Uncertain significance. Last evaluated: 2025-04-20. Review status: criteria provided, single submitter. Criteria: GeneDx Variant Classification Process June 2021. Collection method: clinical testing. Allele origin: germline. Affected: yes.
Comment: Not observed at significant frequency in large population cohorts (gnomAD); In silico analysis supports that this missense variant has a deleterious effect on protein structure/function; Has not been previously published as pathogenic or benign to our knowledge

Fulgent Genetics
Classification: Uncertain significance for Joubert syndrome 5; Senior-Loken syndrome 6; Meckel syndrome, type 4; Leber congenital amaurosis 10; Bardet-Biedl syndrome 14. Last evaluated: 2024-02-19. Review status: criteria provided, single submitter. Criteria: ACMG Guidelines, 2015. Collection method: clinical testing. Allele origin: germline.

Blueprint Genetics
Classification: Uncertain significance. Last evaluated: 2019-10-28. Review status: criteria provided, single submitter. Criteria: ACMG Guidelines, 2015. Collection method: clinical testing. Allele origin: germline.

NM_025114.4(CEP290):c.6518T>G (p.Leu2173Trp)

Gene: CEP290 (centrosomal protein 290; minus strand). Cytogenetic location: 12q21.32.
Variant type: single nucleotide variant.
Coding change: c.6518T>G on transcript NM_025114.4 (MANE Select); coding-DNA position 6518, T replaced by G.
Protein change: p.Leu2173Trp; replaces leucine 2173 with tryptophan.
Molecular consequence: missense variant.
Genome position (GRCh38, 1-based): chr12:88,060,834, A>C on the plus strand (T>G on the coding strand, the complement: CEP290 is on the minus strand). VCF-style: chr12-88060834-A-C. GRCh37 (hg19) VCF-style: chr12-88454611-A-C.
Other names: c.6518T>G (NM_025114.3); short protein forms L2173W.
Identifiers: ClinVar variation 3575366 (VCV003575366.4).